The following is an entry in ClinVar:

ClinVar aggregate classification (germline): Benign/Likely benign. Review status: criteria provided, multiple submitters, no conflicts (2 of 4 stars). 3 submissions from 3 submitters: Benign (1); Likely benign (2). Last evaluated 2025-12-17.

Conditions:
Pheochromocytoma/paraganglioma syndrome 5. Also called: Paragangliomas 5; SDHA-Related Hereditary Paraganglioma-Pheochromocytoma Syndrome. Identifiers: Orphanet 29072, MedGen C3279992, MONDO:0013602, OMIM 614165.
Mitochondrial complex II deficiency, nuclear type 1. Also called: SUCCINATE CoQ REDUCTASE DEFICIENCY. Identifiers: Orphanet 3208, MedGen C5700310, MONDO:0100294, OMIM 252011.
Hereditary cancer-predisposing syndrome. Also called: Tumor predisposition; Hereditary Cancer Syndrome; Hereditary neoplastic syndrome; Neoplastic Syndromes, Hereditary. Identifiers: Orphanet 140162, MedGen C0027672, MeSH D009386, MONDO:0015356.

Allele frequency attached by ClinVar (database versions not stated): gnomAD exomes below 0.00001 and 0.00001; gnomAD 0.00001.
gnomAD v4.1: 11 of 1,613,642 alleles (0.00068%); highest among the groups gnomAD compares: Non-Finnish European, 0.00093%; no homozygotes.

Submissions (3):

Labcorp Genetics (formerly Invitae), Labcorp
Classification: Likely benign for Pheochromocytoma/paraganglioma syndrome 5; Mitochondrial complex II deficiency, nuclear type 1. Last evaluated: 2025-12-17. Review status: criteria provided, single submitter. Criteria: Invitae Variant Classification Sherloc (09022015). Collection method: clinical testing. Allele origin: germline.

Myriad Genetics, Inc.
Classification: Benign for Pheochromocytoma/paraganglioma syndrome 5. Last evaluated: 2025-03-03. Review status: criteria provided, single submitter. Criteria: Myriad Autosomal Dominant, Autosomal Recessive and X-Linked Classification Criteria (2023). Collection method: clinical testing. Allele origin: unknown.
Comment: This variant is considered benign. This variant is a silent/synonymous amino acid change and it is not expected to impact splicing.

Ambry Genetics
Classification: Likely benign for Hereditary cancer-predisposing syndrome. Last evaluated: 2022-12-08. Review status: criteria provided, single submitter. Criteria: Ambry Variant Classification Scheme 2023. Collection method: clinical testing. Allele origin: germline.

NM_004168.4(SDHA):c.702C>T (p.Val234=)

Gene: SDHA (succinate dehydrogenase complex flavoprotein subunit A; plus strand). Cytogenetic location: 5p15.33.
Variant type: single nucleotide variant.
Coding change: c.702C>T on transcript NM_004168.4 (MANE Select); coding-DNA position 702, C replaced by T.
Protein change: p.Val234=; no amino-acid change (valine 234 retained).
Molecular consequence: synonymous variant.
Genome position (GRCh38, 1-based): chr5:228,265, C>T. VCF-style: chr5-228265-C-T. GRCh37 (hg19) VCF-style: chr5-228380-C-T.
Other names: c.558C>T, p.Val186= (NM_001294332.2); c.702C>T, p.Val234= (NM_001330758.2); c.702C>T (NM_004168.2).
Identifiers: ClinVar variation 1583181 (VCV001583181.10), dbSNP rs1205748459, ClinGen allele CA442691358.
Genomic context (GRCh38, chr5:228,265, plus strand): 5'-CTATTTTGTGGAGTATTTTGCCTTGGATCTCCTGATGGAGAATGGGGAGTGCCGTGGTGT[C>T]ATCGCACTGTGCATAGAGGACGGGTCCATCCATCGCATAAGAGCAAAGAACACTGTTGTT-3'
Protein context (NP_004159.2, residues 224-244): LLMENGECRG[Val234=]IALCIEDGSI